The following is an entry in ClinVar:

ClinVar aggregate classification (germline): Uncertain significance (1 of 4 stars; one submission).

Allele frequency attached by ClinVar (database versions not stated): ExAC 0.00002; gnomAD exomes 0.00001.
gnomAD v4.1: 10 of 1,613,818 alleles (0.00062%); highest among the groups gnomAD compares: Non-Finnish European, 0.00085%; no homozygotes.

Submission:

ARUP Laboratories, Molecular Genetics and Genomics, ARUP Laboratories
Classification: Uncertain significance. Last evaluated: 2019-01-16. Review status: criteria provided, single submitter. Criteria: ARUP Molecular Germline Variant Investigation Process. Collection method: clinical testing. Allele origin: germline.
Comment: The FLT4 c.3108A>T; p.Arg1036Ser variant (rs776009030), to our knowledge, is not reported in the medical literature or gene specific databases. This variant is only observed on three alleles in the Genome Aggregation Database, indicating it is not a common polymorphism. The arginine at codon 1036 is highly conserved, and computational analyses (SIFT, PolyPhen-2) predict that this variant is deleterious. This variant is located in one of the tyrosine kinase domains, in which all reported pathogenic FLT4 variants in individuals with Milroy disease have been found thus far (Gordon 2013). However, given the lack of clinical and functional data, the significance of the p.Arg1036Ser variant is uncertain at this time. References: Gordon K et al. FLT4/VEGFR3 and Milroy disease: novel mutations, a review of published variants and database update. Hum Mutat. 2013 Jan;34(1):23-31.

NM_182925.5(FLT4):c.3108A>T (p.Arg1036Ser)

Gene: FLT4 (fms related receptor tyrosine kinase 4; minus strand). Cytogenetic location: 5q35.3.
Variant type: single nucleotide variant.
Coding change: c.3108A>T on transcript NM_182925.5 (MANE Select); coding-DNA position 3108, A replaced by T.
Protein change: p.Arg1036Ser; replaces arginine 1036 with serine.
Molecular consequence: missense variant.
Genome position (GRCh38, 1-based): chr5:180,616,478, T>A on the plus strand (A>T on the coding strand, the complement: FLT4 is on the minus strand). VCF-style: chr5-180616478-T-A. GRCh37 (hg19) VCF-style: chr5-180043478-T-A.
Other names: c.3108A>T, p.Arg1036Ser (NM_001354989.2, NM_002020.5); short protein forms R1036S.
Identifiers: ClinVar variation 811871 (VCV000811871.8), dbSNP rs776009030, ClinGen allele CA3605983.